The following is an entry in ClinVar:

ClinVar aggregate classification (germline): Likely benign. Review status: criteria provided, multiple submitters, no conflicts (2 of 4 stars). 3 submissions from 3 submitters: Likely benign (3). Last evaluated 2026-01-09.

Conditions:
Catecholaminergic polymorphic ventricular tachycardia 1. Also called: VENTRICULAR TACHYCARDIA, CATECHOLAMINERGIC POLYMORPHIC, 1, WITH OR WITHOUT ATRIAL DYSFUNCTION AND/OR DILATED CARDIOMYOPATHY; VENTRICULAR TACHYCARDIA, STRESS-INDUCED POLYMORPHIC 1; RYR2-Related Catecholaminergic Polymorphic Ventricular Tachycardia. Identifiers: Orphanet 3286, MedGen C1631597, MONDO:0011484, OMIM 604772.

Allele frequency attached by ClinVar (database versions not stated): gnomAD exomes 0.00005 and 0.00010; ESP Exome Variant Server 0.00021; ExAC 0.00034; gnomAD 0.00038; TOPMed 0.00050; 1000 Genomes Project 0.00060; 1000 Genomes Project 30x 0.00078.
gnomAD v4.1: 129 of 1,248,690 alleles (0.01%); highest among the groups gnomAD compares: African/African-American, 0.19%; no homozygotes.

Submissions (3):

Labcorp Genetics (formerly Invitae), Labcorp
Classification: Likely benign for Catecholaminergic polymorphic ventricular tachycardia 1. Last evaluated: 2026-01-09. Review status: criteria provided, single submitter. Criteria: Invitae Variant Classification Sherloc (09022015). Collection method: clinical testing. Allele origin: germline.

Blueprint Genetics
Classification: Likely benign. Last evaluated: 2023-10-31. Review status: criteria provided, single submitter. Criteria: ACMG Guidelines, 2015. Collection method: clinical testing. Allele origin: germline.

GeneDx
Classification: Likely benign. Last evaluated: 2017-11-13. Review status: criteria provided, single submitter. Criteria: GeneDx Variant Classification (06012015). Collection method: clinical testing. Allele origin: germline. Affected: yes.
Comment: This variant is considered likely benign or benign based on one or more of the following criteria: it is a conservative change, it occurs at a poorly conserved position in the protein, it is predicted to be benign by multiple in silico algorithms, and/or has population frequency not consistent with disease.

NM_006073.4(TRDN):c.1538-19T>A

Gene: TRDN (triadin; minus strand). Cytogenetic location: 6q22.31.
Variant type: single nucleotide variant.
Coding change: c.1538-19T>A on transcript NM_006073.4 (MANE Select); 19 bases into the intron before coding-DNA position 1538, T replaced by A.
Molecular consequence: intron variant.
Genome position (GRCh38, 1-based): chr6:123,278,366, A>T on the plus strand (T>A on the coding strand, the complement: TRDN is on the minus strand). VCF-style: chr6-123278366-A-T. GRCh37 (hg19) VCF-style: chr6-123599511-A-T.
Identifiers: ClinVar variation 513360 (VCV000513360.11), dbSNP rs142237914, ClinGen allele CA3983874.